The following is an entry in ClinVar:

ClinVar aggregate classification (germline): Uncertain significance. Review status: criteria provided, multiple submitters, no conflicts (2 of 4 stars). 2 submissions from 2 submitters: Uncertain significance (2). Last evaluated 2025-09-07.

Conditions:
Inborn genetic diseases. Identifiers: MedGen C0950123, MeSH D030342.

Submissions (2):

Labcorp Genetics (formerly Invitae), Labcorp
Classification: Uncertain significance. Last evaluated: 2025-09-07. Review status: criteria provided, single submitter. Criteria: Invitae Variant Classification Sherloc (09022015). Collection method: clinical testing. Allele origin: germline.
Comment: This sequence change replaces methionine, which is neutral and non-polar, with valine, which is neutral and non-polar, at codon 1105 of the NALCN protein (p.Met1105Val). This variant is present in population databases (rs376369336, gnomAD 0.03%). This variant has not been reported in the literature in individuals affected with NALCN-related conditions. ClinVar contains an entry for this variant (Variation ID: 3298402). Invitae Evidence Modeling of protein sequence and biophysical properties (such as structural, functional, and spatial information, amino acid conservation, physicochemical variation, residue mobility, and thermodynamic stability) indicates that this missense variant is not expected to disrupt NALCN protein function with a negative predictive value of 80%. In summary, the available evidence is currently insufficient to determine the role of this variant in disease. Therefore, it has been classified as a Variant of Uncertain Significance.

Ambry Genetics
Classification: Uncertain significance for Inborn genetic diseases. Last evaluated: 2024-04-19. Review status: criteria provided, single submitter. Criteria: Ambry Variant Classification Scheme 2023. Collection method: clinical testing. Allele origin: germline.

NM_052867.4(NALCN):c.3313A>G (p.Met1105Val)

Gene: NALCN (sodium leak channel, non-selective; minus strand). Cytogenetic location: 13q32.3.
Variant type: single nucleotide variant.
Coding change: c.3313A>G on transcript NM_052867.4 (MANE Select); coding-DNA position 3313, A replaced by G.
Protein change: p.Met1105Val; replaces methionine 1105 with valine.
Molecular consequence: missense variant.
Genome position (GRCh38, 1-based): chr13:101,089,923, T>C on the plus strand (A>G on the coding strand, the complement: NALCN is on the minus strand). VCF-style: chr13-101089923-T-C. GRCh37 (hg19) VCF-style: chr13-101742274-T-C.
Other names: c.3400A>G, p.Met1134Val (NM_001350748.2); c.3313A>G, p.Met1105Val (NM_001350749.2); c.3226A>G, p.Met1076Val (NM_001350750.2, NM_001350751.2); short protein forms M1134V, M1105V, M1076V.
Identifiers: ClinVar variation 3298402 (VCV003298402.3).